The following is an entry in ClinVar:

NM_006270.5(RRAS):c.602G>A (p.Ser201Asn)

Gene: RRAS (RAS related; minus strand). Cytogenetic location: 19q13.33.
Variant type: single nucleotide variant.
Coding change: c.602G>A on transcript NM_006270.5 (MANE Select); coding-DNA position 602, G replaced by A.
Protein change: p.Ser201Asn; replaces serine 201 with asparagine.
Molecular consequence: missense variant.
Genome position (GRCh38, 1-based): chr19:49,635,631, C>T on the plus strand (G>A on the coding strand, the complement: RRAS is on the minus strand). VCF-style: chr19-49635631-C-T. GRCh37 (hg19) VCF-style: chr19-50138888-C-T.
Other names: short protein forms S201N.
Identifiers: ClinVar variation 4804596 (VCV004804596.1).

ClinVar aggregate classification (germline): Uncertain significance (1 of 4 stars; one submission).

Conditions:
Noonan syndrome (NS). Also called: Noonan's syndrome. Identifiers: Orphanet 648, MedGen C0028326, MeSH D009634, MONDO:0018997. Disease mechanism: gain of function.

Submission:

Labcorp Genetics (formerly Invitae), Labcorp
Classification: Uncertain significance for Noonan syndrome. Last evaluated: 2025-02-16. Review status: criteria provided, single submitter. Criteria: Invitae Variant Classification Sherloc (09022015). Collection method: clinical testing. Allele origin: germline.
Comment: This sequence change replaces serine, which is neutral and polar, with asparagine, which is neutral and polar, at codon 201 of the RRAS protein (p.Ser201Asn). This variant is not present in population databases (gnomAD no frequency). This variant has not been reported in the literature in individuals affected with RRAS-related conditions. An algorithm developed to predict the effect of missense changes on protein structure and function (PolyPhen-2) suggests that this variant is likely to be tolerated. In summary, the available evidence is currently insufficient to determine the role of this variant in disease. Therefore, it has been classified as a Variant of Uncertain Significance.